The following is an entry in ClinVar:

NM_002017.5(FLI1):c.850T>C (p.Trp284Arg)

Gene: FLI1 (Fli-1 proto-oncogene, ETS transcription factor; plus strand). Cytogenetic location: 11q24.3.
Variant type: single nucleotide variant.
Coding change: c.850T>C on transcript NM_002017.5 (MANE Select); coding-DNA position 850, T replaced by C.
Protein change: p.Trp284Arg; replaces tryptophan 284 with arginine.
Molecular consequence: missense variant.
Genome position (GRCh38, 1-based): chr11:128,810,479, T>C. VCF-style: chr11-128810479-T-C. GRCh37 (hg19) VCF-style: chr11-128680374-T-C.
Other names: c.751T>C, p.Trp251Arg (NM_001167681.3, NM_001440369.1, NM_001440370.1 and 1 more transcripts); c.652T>C, p.Trp218Arg (NM_001271010.2); c.271T>C, p.Trp91Arg (NM_001271012.2); c.724T>C, p.Trp242Arg (NM_001440372.1); short protein forms W218R, W242R, W251R, W284R, W91R.
Identifiers: ClinVar variation 4531832 (VCV004531832.1).

ClinVar aggregate classification (germline): Uncertain significance (1 of 4 stars; one submission).

Conditions:
Bleeding disorder, platelet-type, 21 (BDPLT21). Identifiers: MedGen C4479515, MONDO:0054577, OMIM 617443.

Submission:

Victorian Clinical Genetics Services, Murdoch Childrens Research Institute
Classification: Uncertain significance for Bleeding disorder, platelet-type, 21. Last evaluated: 2025-07-25. Review status: criteria provided, single submitter. Criteria: ACMG Guidelines, 2015. Collection method: clinical testing. Allele origin: germline. Affected: yes.
Comment: This variant is classified as VUS-3A. Evidence in support of pathogenic classification: Variant is absent from gnomAD (v2, v3 and v4); Missense variant in a region that is highly intolerant to missense variation (high constraint region in DECIPHER); Missense variant predicted to be damaging by in silico tool(s) or highly conserved with a major amino acid change. Additional information: Variant is predicted to result in a missense amino acid change from Trp to Arg; This variant is heterozygous; This gene is associated with both recessive and dominant disease (OMIM); This variant has no previous evidence of pathogenicity; No published evidence of segregation with disease has been identified for this variant; No published functional evidence has been identified for this variant; No comparable missense variants have previous evidence for pathogenicity; Loss of function is a known mechanism of disease in this gene and is associated with bleeding disorder, platelet-type, 21 (MIM#617443); Inheritance information for this variant is not currently available in this individual.